The following is an entry in ClinVar:

NM_001356.5(DDX3X):c.1726dup (p.Tyr576fs)

Gene: DDX3X (DEAD-box helicase 3 X-linked; plus strand). Cytogenetic location: Xp11.4.
Variant type: Duplication.
Coding change: c.1726dup on transcript NM_001356.5 (MANE Select); coding-DNA position 1726, one base duplicated (T; older notation c.1726dupT).
Protein change: p.Tyr576fs; shifts the reading frame from tyrosine 576.
Molecular consequence: frameshift variant. On other transcripts: non-coding transcript variant (1).
Genome position (GRCh38, 1-based): chrX:41,346,969, T duplicated; the last of 2 consecutive T bases (chrX:41,346,968-41,346,969); duplicating either gives the same sequence. VCF-style (leftmost placement, unchanged base first): chrX-41346967-C-CT. GRCh37 (hg19) VCF-style: chrX-41206220-C-CT.
Other names: c.1726dup, p.Tyr576fs (NM_001193416.3); c.1678dup, p.Tyr560fs (NM_001193417.3); c.1168dup, p.Tyr390fs (NM_001363819.1); short protein forms Y390fs, Y560fs, Y576fs.
Identifiers: ClinVar variation 3391228 (VCV003391228.1).

ClinVar aggregate classification (germline): Likely pathogenic (1 of 4 stars; one submission).

Conditions:
Intellectual disability, X-linked 102 (MRXSSB). Also called: Intellectual developmental disorder, X-linked syndromic, Snijders Blok type. Identifiers: Orphanet 457260, MedGen C5393299, MONDO:0010497, OMIM 300958.

Submission:

Neuberg Centre For Genomic Medicine, NCGM
Classification: Likely pathogenic for Intellectual disability, X-linked 102. Review status: criteria provided, single submitter. Criteria: ACMG Guidelines, 2015. Collection method: clinical testing. Allele origin: germline. Inheritance: X-linked dominant inheritance. Affected: yes.
Comment: The observed frameshift c.1726dup p.Tyr576LeufsTer2 variant in DDX3X gene has not been reported previously as a pathogenic variant nor as a benign variant, to our knowledge. Another nonsense variant at same amino acid position [c.1728T>G; p.Tyr576Ter] of DDX3X gene has been previously reported in an individual affected with DDX3X-related disorders Lennox et al., 2020. The p.Tyr576LeufsTer2 variant is absent in gnomAD Exomes. This variant has not been submitted to the ClinVar database. This variant causes a frameshift starting with codon Tyrosine 576, changes this amino acid to Leucine residue, and creates a premature Stop codon at position 2 of the new reading frame, denoted p.Tyr576LeufsTer2. This variant is predicted to cause loss of normal protein function through protein truncation. Loss of function variants in DDX3X have been previously reported to be disease causing Snijders Blok et al., 2015. For these reasons, this variant has been classified as Likely Pathogenic.